The following is an entry in ClinVar:

ClinVar aggregate classification (germline): Pathogenic/Likely pathogenic. Review status: criteria provided, multiple submitters, no conflicts (2 of 4 stars). 2 submissions from 2 submitters: Pathogenic (1); Likely pathogenic (1). Last evaluated 2026-04-04.

Conditions:
CASR-related disorder. Also called: CASR-related condition.
Familial hypocalciuric hypercalcemia (FHH). Also called: Familial benign hypercalcemia. Identifiers: Orphanet 405, MedGen C1809471, MONDO:0018458.
Autosomal dominant hypocalcemia 1 (HYPOC1). Also called: HYPOCALCEMIA, FAMILIAL. Identifiers: MedGen C3715128, MONDO:0011013, OMIM 601198.

Submissions (2):

PreventionGenetics, part of Exact Sciences
Classification: Likely pathogenic for CASR-related condition. Last evaluated: 2026-04-04. Review status: criteria provided, single submitter. Criteria: ACMG Guidelines, 2015. Collection method: clinical testing. Allele origin: germline.
Comment: The CASR c.682G>C variant is predicted to result in the amino acid substitution p.Glu228Gln. This variant has been reported to segregate with disease in a family with autosomal dominant hypocalcaemia (Conley et al. 2000. PubMed ID: 11136551). Functional studies demonstrate that this variant results in enhanced CaSR-mediated signal transduction compared to the wild-type, consistent with a gain of function effect (Conley et al. 2000. PubMed ID: 11136551). This variant has not been reported in a large population database (gnomAD), indicating this variant is rare. Alternate missense changes at the same amino acid position (p.Glu228Lys, p.Glu228Gly, and p.Glu228Ala) have been reported in individuals with hypocalcemia (Cole et al. 2009. PubMed ID: 19179454; Formosa et al. 2014. PubMed ID: 25227206; Nakajima et al. 2009. PubMed ID: 19915295; Roberts et al. 2019. PubMed ID: 31063613). The p.Glu228Gln variant is interpreted as likely pathogenic.

Labcorp Genetics (formerly Invitae), Labcorp
Classification: Pathogenic for Familial hypocalciuric hypercalcemia; Autosomal dominant hypocalcemia 1. Last evaluated: 2023-06-24. Review status: criteria provided, single submitter. Criteria: Invitae Variant Classification Sherloc (09022015). Collection method: clinical testing. Allele origin: germline.
Comment: An algorithm developed to predict the effect of missense changes on protein structure and function (PolyPhen-2) suggests that this variant is likely to be disruptive. For these reasons, this variant has been classified as Pathogenic. This missense change has been observed in individual(s) with hypocalcemia (PMID: 11136551). It has also been observed to segregate with disease in related individuals. This variant is not present in population databases (gnomAD no frequency). This sequence change replaces glutamic acid, which is acidic and polar, with glutamine, which is neutral and polar, at codon 228 of the CASR protein (p.Glu228Gln).

Literature cited by the submitters: PubMed 11136551 (cited by Labcorp Genetics (formerly Invitae), Labcorp).

NM_000388.4(CASR):c.682G>C (p.Glu228Gln)

Gene: CASR (calcium sensing receptor; plus strand). Cytogenetic location: 3q21.1.
Variant type: single nucleotide variant.
Coding change: c.682G>C on transcript NM_000388.4 (MANE Select); coding-DNA position 682, G replaced by C.
Protein change: p.Glu228Gln; replaces glutamic acid 228 with glutamine.
Molecular consequence: missense variant.
Genome position (GRCh38, 1-based): chr3:122,261,717, G>C. VCF-style: chr3-122261717-G-C. GRCh37 (hg19) VCF-style: chr3-121980564-G-C.
Other names: c.682G>C (NM_001178065.1); c.682G>C, p.Glu228Gln (NM_001178065.2); short protein forms E228Q.
Identifiers: ClinVar variation 2925360 (VCV002925360.4), dbSNP rs2473226024, ClinGen allele CA354151115.